The following is an entry in ClinVar:

ClinVar aggregate classification (germline): Benign/Likely benign. Review status: criteria provided, multiple submitters, no conflicts (2 of 4 stars). 21 submissions from 17 submitters: Benign (13); Likely benign (5). 3 of the submissions do not count toward it. Last evaluated 2026-02-04.

Conditions:
Hereditary cancer-predisposing syndrome. Also called: Tumor predisposition; Hereditary neoplastic syndrome; Hereditary Cancer Syndrome; Neoplastic Syndromes, Hereditary. Identifiers: Orphanet 140162, MedGen C0027672, MeSH D009386, MONDO:0015356.
Multiple endocrine neoplasia. Identifiers: Orphanet 276161, MedGen C0027662, MONDO:0017169.
Multiple endocrine neoplasia, type 2 (MEN2). Identifiers: Orphanet 653, MedGen C4048306, MONDO:0019003. Disease mechanism: gain of function.
Multiple endocrine neoplasia type 2B. Also called: MEN IIB; NEUROMATA, MUCOSAL, WITH ENDOCRINE TUMORS; WAGENMANN-FROBOESE SYNDROME; MULTIPLE ENDOCRINE NEOPLASIA, TYPE III; MULTIPLE ENDOCRINE NEOPLASIA, TYPE IIB; MEN 2B. Identifiers: Orphanet 247709, Orphanet 653, MedGen C0025269, MeSH D018814, MONDO:0008082, OMIM 162300.
Hirschsprung disease, susceptibility to, 1 (HSCR1). Also called: RET-Related Hirschsprung Disease. Identifiers: Orphanet 388, MedGen C3888239, MONDO:0007723, OMIM 142623.
Multiple endocrine neoplasia type 2A. Also called: Multiple Endocrine Neoplasia Type 2A (MEN2A); MULTIPLE ENDOCRINE NEOPLASIA, TYPE IIA; PTC SYNDROME; SIPPLE SYNDROME; MEN 2A; MEN-2A syndrome. Identifiers: Orphanet 247698, Orphanet 653, MedGen C0025268, MeSH D018813, MONDO:0008234, OMIM 171400.
Pheochromocytoma. Also called: MAX-Related Hereditary Paraganglioma-Pheochromocytoma Syndrome. Identifiers: Orphanet 29072, MedGen C0031511, MONDO:0008233, OMIM 171300, HP:0002666.
Renal hypodysplasia/aplasia 1 (RHDA1). Also called: RENAL APLASIA; HEREDITARY RENAL APLASIA. Identifiers: Orphanet 411709, MedGen C1619700, MONDO:0024519, OMIM 191830.

Allele frequency attached by ClinVar (database versions not stated): ESP Exome Variant Server 0.20870; gnomAD exomes 0.25539 and 0.25688; ExAC 0.28223; 1000 Genomes Project 0.18550; gnomAD 0.20840 and 0.20641; 1000 Genomes Project 30x 0.18645; TOPMed 0.20695.
gnomAD v4.1: 396,526 of 1,583,280 alleles (25%); highest among the groups gnomAD compares: Admixed American, 32%; 52,243 homozygotes.

Submissions (21):

Labcorp Genetics (formerly Invitae), Labcorp
Classification: Benign for Multiple endocrine neoplasia, type 2. Last evaluated: 2026-02-04. Review status: criteria provided, single submitter. Criteria: Invitae Variant Classification Sherloc (09022015). Collection method: clinical testing. Allele origin: germline.

ARUP Laboratories, Molecular Genetics and Genomics, ARUP Laboratories
Classification: Benign. Last evaluated: 2025-07-23. Review status: criteria provided, single submitter. Criteria: ARUP Molecular Germline Variant Investigation Process 2024. Collection method: clinical testing. Allele origin: germline.

GeneKor MSA
Classification: Benign for Hereditary cancer-predisposing syndrome. Last evaluated: 2025-07-10. Review status: criteria provided, single submitter. Criteria: ACMG Guidelines, 2015. Collection method: clinical testing. Allele origin: germline.

KCCC/NGS Laboratory, Kuwait Cancer Control Center
Classification: Benign for Pheochromocytoma. Last evaluated: 2025-02-01. Review status: criteria provided, single submitter. Criteria: ACMG Guidelines, 2015. Collection method: clinical testing. Allele origin: germline. Affected: no.

Blueprint Genetics
Classification: Benign. Last evaluated: 2024-11-27. Review status: criteria provided, single submitter. Criteria: ACMG Guidelines, 2015. Collection method: clinical testing. Allele origin: germline.

KCCC/NGS Laboratory, Kuwait Cancer Control Center
Classification: Benign for Multiple endocrine neoplasia type 2B. Last evaluated: 2023-07-07. Review status: criteria provided, single submitter. Criteria: ACMG Guidelines, 2015. Collection method: clinical testing. Allele origin: germline. Affected: yes.

Mayo Clinic Laboratories, Mayo Clinic
Classification: Benign. Last evaluated: 2021-12-21. Review status: criteria provided, single submitter. Criteria: ACMG Guidelines, 2015. Collection method: clinical testing. Allele origin: germline. Observed: 732 variant alleles.
Comment: BA1

Genetics and Molecular Pathology, SA Pathology
Classification: Benign for Multiple endocrine neoplasia type 2A. Last evaluated: 2019-08-06. Review status: criteria provided, single submitter. Criteria: ACMG Guidelines, 2015. Collection method: clinical testing. Allele origin: germline. Inheritance: Autosomal dominant inheritance. Affected: yes.

Laboratory for Molecular Medicine, Mass General Brigham Personalized Medicine
Classification: Benign. Last evaluated: 2018-04-19. Review status: criteria provided, single submitter. Criteria: LMM Criteria. Collection method: clinical testing. Allele origin: germline. Observed: 44 variant alleles.
Comment: This variant is classified as benign because it has been identified in 36% (1044 7/29350) of Latino chromosomes by the Genome Aggregation Database (gnomAD; dbSNP rs2435351). ACMG/AMP Criteria applied: BA1.

Illumina Laboratory Services, Illumina
Classification: Likely benign for Multiple endocrine neoplasia. Last evaluated: 2017-04-27. Review status: criteria provided, single submitter. Criteria: ICSL Variant Classification Criteria 13 December 2019. Collection method: clinical testing. Allele origin: germline.
Comment: This variant was observed as part of a predisposition screen in an ostensibly healthy population. A literature search was performed for the gene, cDNA change, and amino acid change (where applicable). No publications were found based on this search. Allele frequency data from public databases allowed determination this variant is unlikely to cause disease. Therefore, this variant is classified as likely benign.

Illumina Laboratory Services, Illumina
Classification: Likely benign for Renal hypodysplasia/aplasia 1. Last evaluated: 2017-04-27. Review status: criteria provided, single submitter. Criteria: ICSL Variant Classification Criteria 13 December 2019. Collection method: clinical testing. Allele origin: germline.
Comment: the same text as in the submission from Illumina Laboratory Services, Illumina above.

Illumina Laboratory Services, Illumina
Classification: Likely benign for Pheochromocytoma. Last evaluated: 2017-04-27. Review status: criteria provided, single submitter. Criteria: ICSL Variant Classification Criteria 13 December 2019. Collection method: clinical testing. Allele origin: germline.
Comment: the same text as in the submission from Illumina Laboratory Services, Illumina above.

Illumina Laboratory Services, Illumina
Classification: Likely benign for Hirschsprung disease, susceptibility to, 1. Last evaluated: 2017-04-27. Review status: criteria provided, single submitter. Criteria: ICSL Variant Classification Criteria 13 December 2019. Collection method: clinical testing. Allele origin: germline.
Comment: the same text as in the submission from Illumina Laboratory Services, Illumina above.

Ambry Genetics
Classification: Benign for Hereditary cancer-predisposing syndrome. Last evaluated: 2015-03-30. Review status: criteria provided, single submitter. Criteria: Ambry Variant Classification Scheme 2023. Collection method: clinical testing. Allele origin: germline.

GeneDx
Classification: Benign. Last evaluated: 2015-03-03. Review status: criteria provided, single submitter. Criteria: GeneDx Variant Classification Process June 2021. Collection method: clinical testing. Allele origin: germline. Affected: yes.
Comment: This variant is associated with the following publications: (PMID: 12872262)

Eurofins Ntd Llc (ga)
Classification: Benign. Last evaluated: 2014-01-31. Review status: criteria provided, single submitter. Criteria: EGL Classification Definitions 2015. Collection method: clinical testing. Allele origin: germline. Observed: 44 variant alleles, 42 heterozygotes, 2 homozygotes.

Breakthrough Genomics
Classification: Likely benign. Review status: criteria provided, single submitter. Criteria: ACMG Guidelines, 2015. Collection method: not provided. Allele origin: germline. Inheritance: Autosomal dominant inheritance. Affected: yes.

PreventionGenetics, part of Exact Sciences
Classification: Benign. Review status: criteria provided, single submitter. Criteria: ACMG Guidelines, 2015. Collection method: clinical testing. Allele origin: germline.

Clinical Genetics DNA and cytogenetics Diagnostics Lab, Erasmus MC, Erasmus Medical Center
Classification: Benign. Review status: no assertion criteria provided. Collection method: clinical testing. Allele origin: germline. Affected: yes. Study: VKGL Data-share Consensus. Not counted in ClinVar's aggregate classification.

Diagnostic Laboratory, Department of Genetics, University Medical Center Groningen
Classification: Benign. Review status: no assertion criteria provided. Collection method: clinical testing. Allele origin: germline. Affected: yes. Study: VKGL Data-share Consensus. Not counted in ClinVar's aggregate classification.

Joint Genome Diagnostic Labs from Nijmegen and Maastricht, Radboudumc and MUMC+
Classification: Benign. Review status: no assertion criteria provided. Collection method: clinical testing. Allele origin: germline. Affected: yes. Study: VKGL Data-share Consensus. Not counted in ClinVar's aggregate classification.

Literature cited by the submitters: PubMed 12872262 (cited by Laboratory for Molecular Medicine, Mass General Brigham Personalized Medicine).

NM_020975.6(RET):c.337+9G>A

Gene: RET (ret proto-oncogene; plus strand). Cytogenetic location: 10q11.21.
Variant type: single nucleotide variant.
Coding change: c.337+9G>A on transcript NM_020975.6 (MANE Select); 9 bases into the intron after coding-DNA position 337, G replaced by A.
Molecular consequence: intron variant.
Genome position (GRCh38, 1-based): chr10:43,100,731, G>A. VCF-style: chr10-43100731-G-A. GRCh37 (hg19) VCF-style: chr10-43596179-G-A.
Other names: p.?; c.337+9G>A (NM_020630.7, NM_001406743.1, NM_001406744.1 and 32 more transcripts); c.74-8300G>A (NM_001406784.1); c.74-11368G>A (NM_001406794.1, NM_001406792.1, NM_001406793.1).
Identifiers: ClinVar variation 95996 (VCV000095996.55), dbSNP rs2435351, ClinGen allele CA009228.